The following is an entry in ClinVar:

NM_005585.5(SMAD6):c.1145G>T (p.Arg382Leu)

Gene: SMAD6 (SMAD family member 6; plus strand). Cytogenetic location: 15q22.31.
Variant type: single nucleotide variant.
Coding change: c.1145G>T on transcript NM_005585.5 (MANE Select); coding-DNA position 1145, G replaced by T.
Protein change: p.Arg382Leu; replaces arginine 382 with leucine.
Molecular consequence: missense variant. On other transcripts: non-coding transcript variant (1).
Genome position (GRCh38, 1-based): chr15:66,781,189, G>T. VCF-style: chr15-66781189-G-T. GRCh37 (hg19) VCF-style: chr15-67073527-G-T.
Other names: short protein forms R382L.
Identifiers: ClinVar variation 4698697 (VCV004698697.1).

ClinVar aggregate classification (germline): Uncertain significance (1 of 4 stars; one submission).

Conditions:
Aortic valve disease 2 (AOVD2). Identifiers: MedGen C3542024, MONDO:0013902, OMIM 614823.

gnomAD v4.1: 19 of 1,607,892 alleles (0.0012%); highest among the groups gnomAD compares: Non-Finnish European, 0.0016%; no homozygotes.

Submission:

Labcorp Genetics (formerly Invitae), Labcorp
Classification: Uncertain significance for Aortic valve disease 2. Last evaluated: 2026-01-13. Review status: criteria provided, single submitter. Criteria: Invitae Variant Classification Sherloc (09022015). Collection method: clinical testing. Allele origin: germline.
Comment: This sequence change replaces arginine, which is basic and polar, with leucine, which is neutral and non-polar, at codon 382 of the SMAD6 protein (p.Arg382Leu). This variant is present in population databases (no rsID available, gnomAD 0.0009%). This variant has not been reported in the literature in individuals affected with SMAD6-related conditions. Invitae Evidence Modeling of protein sequence and biophysical properties (such as structural, functional, and spatial information, amino acid conservation, physicochemical variation, residue mobility, and thermodynamic stability) indicates that this missense variant is not expected to disrupt SMAD6 protein function with a negative predictive value of 80%. In summary, the available evidence is currently insufficient to determine the role of this variant in disease. Therefore, it has been classified as a Variant of Uncertain Significance.